The following is an entry in ClinVar:

ClinVar aggregate classification (germline): Uncertain significance (1 of 4 stars; one submission).

Conditions:
Renal coloboma syndrome (PAPRS). Also called: PAPILLORENAL SYNDROME WITH MILD OCULAR ABNORMALITIES; CONGENITAL ANOMALIES OF THE KIDNEY AND URINARY TRACT WITH OR WITHOUT OCULAR ABNORMALITIES; CAKUT WITH OR WITHOUT OCULAR ABNORMALITIES; OPTIC COLOBOMA, VESICOURETERAL REFLUX, AND RENAL ANOMALIES; OPTIC NERVE COLOBOMA WITH RENAL DISEASE; RENAL-COLOBOMA SYNDROME WITH MACULAR ABNORMALITIES. Identifiers: Orphanet 1475, MedGen C1852759, MONDO:0007352, OMIM 120330.
Focal segmental glomerulosclerosis 7 (FSGS7). Identifiers: Orphanet 656, MedGen C4014925, MONDO:0014451, OMIM 616002.

Submission:

Juno Genomics, Hangzhou Juno Genomics, Inc
Classification: Uncertain significance for Focal segmental glomerulosclerosis 7; Renal coloboma syndrome. Review status: criteria provided, single submitter. Criteria: ACMG Guidelines, 2015. Collection method: clinical testing. Allele origin: germline.
Comment: Absent from controls (or at extremely low frequency if recessive) in Genome Aggregation Database.;Multiple lines of computational evidence support a deleterious effect on the gene or gene product.

NM_000278.5(PAX2):c.197G>A (p.Ser66Asn)

Gene: PAX2 (paired box 2; plus strand). Cytogenetic location: 10q24.31.
Variant type: single nucleotide variant.
Coding change: c.197G>A on transcript NM_000278.5 (MANE Select); coding-DNA position 197, G replaced by A.
Protein change: p.Ser66Asn; replaces serine 66 with asparagine.
Molecular consequence: missense variant.
Genome position (GRCh38, 1-based): chr10:100,749,899, G>A. VCF-style: chr10-100749899-G-A. GRCh37 (hg19) VCF-style: chr10-102509656-G-A.
Other names: c.290G>A, p.Ser97Asn (NM_001304569.2); c.197G>A, p.Ser66Asn (NM_003987.5, NM_003988.5, NM_003989.5 and 1 more transcripts); short protein forms S66N, S97N.
Identifiers: ClinVar variation 5018730 (VCV005018730.2).